The following is an entry in ClinVar:

ClinVar aggregate classification (germline): Uncertain significance (1 of 4 stars; one submission).

Allele frequency attached by ClinVar (database versions not stated): gnomAD exomes below 0.00001; ExAC 0.00001; gnomAD 0.00001; TOPMed 0.00001.
gnomAD v4.1: 4 of 1,611,782 alleles (0.00025%); highest among the groups gnomAD compares: Admixed American, 0.0067%; no homozygotes.

Submission:

Ambry Genetics
Classification: Uncertain significance. Last evaluated: 2023-08-01. Review status: criteria provided, single submitter. Criteria: Ambry Variant Classification Scheme 2023. Collection method: clinical testing. Allele origin: germline.
Comment: The p.W74R variant (also known as c.220T>C), located in coding exon 2 of the POLQ gene, results from a T to C substitution at nucleotide position 220. The tryptophan at codon 74 is replaced by arginine, an amino acid with dissimilar properties. This amino acid position is conserved. In addition, the in silico prediction for this alteration is inconclusive. Since supporting evidence is limited at this time, the clinical significance of this alteration remains unclear.

NM_199420.4(POLQ):c.220T>C (p.Trp74Arg)

Gene: POLQ (DNA polymerase theta; minus strand). Cytogenetic location: 3q13.33.
Variant type: single nucleotide variant.
Coding change: c.220T>C on transcript NM_199420.4 (MANE Select); coding-DNA position 220, T replaced by C.
Protein change: p.Trp74Arg; replaces tryptophan 74 with arginine.
Molecular consequence: missense variant.
Genome position (GRCh38, 1-based): chr3:121,544,850, A>G on the plus strand (T>C on the coding strand, the complement: POLQ is on the minus strand). VCF-style: chr3-121544850-A-G. GRCh37 (hg19) VCF-style: chr3-121263697-A-G.
Other names: short protein forms W74R.
Identifiers: ClinVar variation 1787750 (VCV001787750.3), dbSNP rs781745542, ClinGen allele CA2563877.
Genomic context (GRCh38, chr3:121,544,850, plus strand): 5'-CAAACATCTTTTTTACACCAAAACTGTGGTATTTTTCCAGAACTGCTTTAGGAAGTCCCC[A>G]GTTTGCCAATAGTAGCTTGTCTCTTTCGTAGTCAGGAACTGTAGGCTTGCATTCTCCTTT-3'
Protein context (NP_955452.3, residues 64-84): YERDKLLLAN[Trp74Arg]GLPKAVLEKY